The following is an entry in ClinVar:

NM_004385.5(VCAN):c.7955A>T (p.Asp2652Val)

Genes: VCAN (versican; plus strand), VCAN-AS1 (VCAN antisense RNA 1; minus strand). Cytogenetic location: 5q14.3.
Variant type: single nucleotide variant.
Coding change: c.7955A>T on transcript NM_004385.5 (MANE Select); coding-DNA position 7955, A replaced by T.
Protein change: p.Asp2652Val; replaces aspartic acid 2652 with valine.
Molecular consequence: missense variant. On other transcripts: intron variant (2).
Genome position (GRCh38, 1-based): chr5:83,540,958, A>T. VCF-style: chr5-83540958-A-T. GRCh37 (hg19) VCF-style: chr5-82836777-A-T.
Other names: c.4994A>T, p.Asp1665Val (NM_001164097.2); c.4004-4579A>T (NM_001164098.2); c.1043-4579A>T (NM_001126336.3); short protein forms D1665V, D2652V.
Identifiers: ClinVar variation 1514961 (VCV001514961.6), dbSNP rs141810277, ClinGen allele CA3333718.

ClinVar aggregate classification (germline): Uncertain significance (1 of 4 stars; one submission).

gnomAD v4.1: 3 of 1,614,112 alleles (0.00019%); highest among the groups gnomAD compares: Non-Finnish European, 0.00025%; no homozygotes.

Submission:

Labcorp Genetics (formerly Invitae), Labcorp
Classification: Uncertain significance. Last evaluated: 2023-08-10. Review status: criteria provided, single submitter. Criteria: Invitae Variant Classification Sherloc (09022015). Collection method: clinical testing. Allele origin: germline.
Comment: In summary, the available evidence is currently insufficient to determine the role of this variant in disease. Therefore, it has been classified as a Variant of Uncertain Significance. An algorithm developed to predict the effect of missense changes on protein structure and function (PolyPhen-2) suggests that this variant is likely to be tolerated. ClinVar contains an entry for this variant (Variation ID: 1514961). This variant has not been reported in the literature in individuals affected with VCAN-related conditions. This variant is not present in population databases (gnomAD no frequency). This sequence change replaces aspartic acid, which is acidic and polar, with valine, which is neutral and non-polar, at codon 2652 of the VCAN protein (p.Asp2652Val).